The following is an entry in ClinVar:

ClinVar aggregate classification (germline): Uncertain significance (1 of 4 stars; one submission).

Submission:

GeneDx
Classification: Uncertain significance. Last evaluated: 2024-11-05. Review status: criteria provided, single submitter. Criteria: GeneDx Variant Classification Process June 2021. Collection method: clinical testing. Allele origin: germline. Affected: yes.
Comment: Not observed at significant frequency in large population cohorts (gnomAD); In silico analysis indicates that this missense variant does not alter protein structure/function; Has not been previously published as pathogenic or benign to our knowledge

NM_031407.7(HUWE1):c.5116G>A (p.Glu1706Lys)

Gene: HUWE1 (HECT, UBA and WWE domain containing E3 ubiquitin protein ligase 1; minus strand). Cytogenetic location: Xp11.22.
Variant type: single nucleotide variant.
Coding change: c.5116G>A on transcript NM_031407.7 (MANE Select); coding-DNA position 5116, G replaced by A.
Protein change: p.Glu1706Lys; replaces glutamic acid 1706 with lysine.
Molecular consequence: missense variant.
Genome position (GRCh38, 1-based): chrX:53,584,231, C>T on the plus strand (G>A on the coding strand, the complement: HUWE1 is on the minus strand). VCF-style: chrX-53584231-C-T. GRCh37 (hg19) VCF-style: chrX-53611191-C-T.
Other names: short protein forms E1706K.
Identifiers: ClinVar variation 3899068 (VCV003899068.1).